The following is an entry in ClinVar:

ClinVar aggregate classification (germline): Uncertain significance (1 of 4 stars; one submission).

Conditions:
Arterial tortuosity syndrome (ATORS). Identifiers: Orphanet 3342, MedGen C1859726, MONDO:0008818, OMIM 208050.

Allele frequency attached by ClinVar (database versions not stated): gnomAD exomes below 0.00001.

Submission:

Labcorp Genetics (formerly Invitae), Labcorp
Classification: Uncertain significance for Arterial tortuosity syndrome. Last evaluated: 2022-02-04. Review status: criteria provided, single submitter. Criteria: Invitae Variant Classification Sherloc (09022015). Collection method: clinical testing. Allele origin: germline.
Comment: In summary, the available evidence is currently insufficient to determine the role of this variant in disease. Therefore, it has been classified as a Variant of Uncertain Significance. Advanced modeling of protein sequence and biophysical properties (such as structural, functional, and spatial information, amino acid conservation, physicochemical variation, residue mobility, and thermodynamic stability) performed at Invitae indicates that this missense variant is not expected to disrupt SLC2A10 protein function. ClinVar contains an entry for this variant (Variation ID: 652465). This variant has not been reported in the literature in individuals affected with SLC2A10-related conditions. This variant is present in population databases (no rsID available, gnomAD 0.003%). This sequence change replaces histidine, which is basic and polar, with proline, which is neutral and non-polar, at codon 3 of the SLC2A10 protein (p.His3Pro).

NM_030777.4(SLC2A10):c.8A>C (p.His3Pro)

Gene: SLC2A10 (solute carrier family 2 member 10; plus strand). Cytogenetic location: 20q13.12.
Variant type: single nucleotide variant.
Coding change: c.8A>C on transcript NM_030777.4 (MANE Select); coding-DNA position 8, A replaced by C.
Protein change: p.His3Pro; replaces histidine 3 with proline.
Molecular consequence: missense variant.
Genome position (GRCh38, 1-based): chr20:46,725,044, A>C. VCF-style: chr20-46725044-A-C. GRCh37 (hg19) VCF-style: chr20-45353683-A-C.
Other names: short protein forms H3P.
Identifiers: ClinVar variation 652465 (VCV000652465.9), dbSNP rs1254965156, ClinGen allele CA409266088.
Genomic context (GRCh38, chr20:46,725,044, plus strand): 5'-ATGGATGGTATGACAAGGAACCATTCTAACTCTGTCCCTCTCACTTTTGTTTTTTAGGCC[A>C]CTCCCCACCTGTCCTGCCTTTGTGTGCCTCTGTGTCTTTGCTGGGTGGCCTGACCTTTGG-3'
Protein context (NP_110404.1, residues 1-13): MG[His3Pro]SPPVLPLCAS